The following is an entry in ClinVar:

NM_014874.4(MFN2):c.1918C>T (p.Leu640Phe)

Gene: MFN2 (mitofusin 2; plus strand). Cytogenetic location: 1p36.22.
Variant type: single nucleotide variant.
Coding change: c.1918C>T on transcript NM_014874.4 (MANE Select); coding-DNA position 1918, C replaced by T.
Protein change: p.Leu640Phe; replaces leucine 640 with phenylalanine.
Molecular consequence: missense variant.
Genome position (GRCh38, 1-based): chr1:12,007,098, C>T. VCF-style: chr1-12007098-C-T. GRCh37 (hg19) VCF-style: chr1-12067155-C-T.
Other names: c.1918C>T, p.Leu640Phe (NM_001127660.2); short protein forms L640F.
Identifiers: ClinVar variation 1477179 (VCV001477179.8), dbSNP rs764683093, ClinGen allele CA338450657.
Genomic context (GRCh38, chr1:12,007,098, plus strand): 5'-CCATGTGCTCTGCAGGTGTGGAAGGCAGTGGGCTGGCGGCTCATTGCCCTCTCCTTTGGG[C>T]TCTATGGCCTCCTCTACGTCTATGAGCGTCTGACCTGGACCACCAAGGCCAAGGAGAGGG-3'
Protein context (NP_055689.1, residues 630-650): GWRLIALSFG[Leu640Phe]YGLLYVYERL

ClinVar aggregate classification (germline): Uncertain significance (1 of 4 stars; one submission).

Conditions:
Charcot-Marie-Tooth disease type 2. Also called: Charcot-Marie-Tooth type 2. Identifiers: Orphanet 64746, MedGen C0270914, MONDO:0018993.

Submission:

Labcorp Genetics (formerly Invitae), Labcorp
Classification: Uncertain significance for Charcot-Marie-Tooth disease type 2. Last evaluated: 2022-07-19. Review status: criteria provided, single submitter. Criteria: Invitae Variant Classification Sherloc (09022015). Collection method: clinical testing. Allele origin: germline.
Comment: In summary, the available evidence is currently insufficient to determine the role of this variant in disease. Therefore, it has been classified as a Variant of Uncertain Significance. Advanced modeling of protein sequence and biophysical properties (such as structural, functional, and spatial information, amino acid conservation, physicochemical variation, residue mobility, and thermodynamic stability) performed at Invitae indicates that this missense variant is expected to disrupt MFN2 protein function. ClinVar contains an entry for this variant (Variation ID: 1477179). This variant has not been reported in the literature in individuals affected with MFN2-related conditions. This variant is not present in population databases (gnomAD no frequency). This sequence change replaces leucine, which is neutral and non-polar, with phenylalanine, which is neutral and non-polar, at codon 640 of the MFN2 protein (p.Leu640Phe).